The following is an entry in ClinVar:

NM_032119.4(ADGRV1):c.17999T>C (p.Val6000Ala)

Gene: ADGRV1 (adhesion G protein-coupled receptor V1; plus strand). Cytogenetic location: 5q14.3.
Variant type: single nucleotide variant.
Coding change: c.17999T>C on transcript NM_032119.4 (MANE Select); coding-DNA position 17999, T replaced by C.
Protein change: p.Val6000Ala; replaces valine 6000 with alanine.
Molecular consequence: missense variant. On other transcripts: non-coding transcript variant (1).
Genome position (GRCh38, 1-based): chr5:90,985,369, T>C. VCF-style: chr5-90985369-T-C. GRCh37 (hg19) VCF-style: chr5-90281186-T-C.
Other names: short protein forms V6000A.
Identifiers: ClinVar variation 1385041 (VCV001385041.6), dbSNP rs978089102, ClinGen allele CA122930720.

ClinVar aggregate classification (germline): Uncertain significance. Review status: criteria provided, multiple submitters, no conflicts (2 of 4 stars). 2 submissions from 2 submitters: Uncertain significance (2). Last evaluated 2024-10-16.

Allele frequency attached by ClinVar (database versions not stated): gnomAD exomes below 0.00001 and 0.00001; TOPMed 0.00001.
gnomAD v4.1: 13 of 1,612,882 alleles (0.00081%); highest among the groups gnomAD compares: Non-Finnish European, 0.0011%; no homozygotes.

Submissions (2):

Blueprint Genetics
Classification: Uncertain significance. Last evaluated: 2024-10-16. Review status: criteria provided, single submitter. Criteria: ACMG Guidelines, 2015. Collection method: clinical testing. Allele origin: germline.

Labcorp Genetics (formerly Invitae), Labcorp
Classification: Uncertain significance. Last evaluated: 2022-10-17. Review status: criteria provided, single submitter. Criteria: Invitae Variant Classification Sherloc (09022015). Collection method: clinical testing. Allele origin: germline.
Comment: This sequence change replaces valine, which is neutral and non-polar, with alanine, which is neutral and non-polar, at codon 6000 of the ADGRV1 protein (p.Val6000Ala). This variant is not present in population databases (gnomAD no frequency). This variant has not been reported in the literature in individuals affected with ADGRV1-related conditions. ClinVar contains an entry for this variant (Variation ID: 1385041). Advanced modeling of protein sequence and biophysical properties (such as structural, functional, and spatial information, amino acid conservation, physicochemical variation, residue mobility, and thermodynamic stability) performed at Invitae indicates that this missense variant is not expected to disrupt ADGRV1 protein function. In summary, the available evidence is currently insufficient to determine the role of this variant in disease. Therefore, it has been classified as a Variant of Uncertain Significance.